The following is an entry in ClinVar:

ClinVar aggregate classification (germline): Uncertain significance (1 of 4 stars; one submission).

Conditions:
Neuronal ceroid lipofuscinosis 11. Also called: GRN-Related Neuronal Ceroid-Lipofuscinosis. Identifiers: Orphanet 314629, Orphanet 79262, MedGen C3539123, MONDO:0013866, OMIM 614706.
GRN-related frontotemporal lobar degeneration with Tdp43 inclusions (FTD2). Also called: DEMENTIA, HEREDITARY DYSPHASIC DISINHIBITION; FRONTOTEMPORAL LOBAR DEGENERATION WITH UBIQUITIN-POSITIVE INCLUSIONS; FTLD-TDP, GRN-RELATED; GRN Frontotemporal Dementia; FRONTOTEMPORAL DEMENTIA WITH TDP43 INCLUSIONS, GRN-RELATED. Identifiers: Orphanet 100070, Orphanet 282, MedGen C1843792, MONDO:0011842, OMIM 607485. Disease mechanism: loss of function.

Submission:

Labcorp Genetics (formerly Invitae), Labcorp
Classification: Uncertain significance for Neuronal ceroid lipofuscinosis 11; GRN-related frontotemporal lobar degeneration with Tdp43 inclusions. Last evaluated: 2025-07-08. Review status: criteria provided, single submitter. Criteria: Invitae Variant Classification Sherloc (09022015). Collection method: clinical testing. Allele origin: germline.
Comment: This sequence change replaces glycine, which is neutral and non-polar, with aspartic acid, which is acidic and polar, at codon 485 of the GRN protein (p.Gly485Asp). This variant is not present in population databases (gnomAD no frequency). This variant has not been reported in the literature in individuals affected with GRN-related conditions. Invitae Evidence Modeling of protein sequence and biophysical properties (such as structural, functional, and spatial information, amino acid conservation, physicochemical variation, residue mobility, and thermodynamic stability) indicates that this missense variant is expected to disrupt GRN protein function with a positive predictive value of 80%. In summary, the available evidence is currently insufficient to determine the role of this variant in disease. Therefore, it has been classified as a Variant of Uncertain Significance.

NM_002087.4(GRN):c.1454G>A (p.Gly485Asp)

Gene: GRN (granulin precursor; plus strand). Cytogenetic location: 17q21.31.
Variant type: single nucleotide variant.
Coding change: c.1454G>A on transcript NM_002087.4 (MANE Select); coding-DNA position 1454, G replaced by A.
Protein change: p.Gly485Asp; replaces glycine 485 with aspartic acid.
Molecular consequence: missense variant.
Genome position (GRCh38, 1-based): chr17:44,352,381, G>A. VCF-style: chr17-44352381-G-A. GRCh37 (hg19) VCF-style: chr17-42429749-G-A.
Other names: short protein forms G485D.
Identifiers: ClinVar variation 4794444 (VCV004794444.1).